The following is an entry in ClinVar:

ClinVar aggregate classification (germline): Uncertain significance. Review status: criteria provided, multiple submitters, no conflicts (2 of 4 stars). 2 submissions from 2 submitters: Uncertain significance (2). Last evaluated 2025-06-25.

Conditions:
Hereditary cancer-predisposing syndrome. Also called: Tumor predisposition; Hereditary Cancer Syndrome; Hereditary neoplastic syndrome; Neoplastic Syndromes, Hereditary. Identifiers: Orphanet 140162, MedGen C0027672, MeSH D009386, MONDO:0015356.
Holoprosencephaly 7 (HPE7). Identifiers: Orphanet 2162, MedGen C1835820, MONDO:0012562, OMIM 610828.

gnomAD v4.1: 2 of 1,614,206 alleles (0.00012%); highest among the groups gnomAD compares: Non-Finnish European, 0.00017%; no homozygotes.

Submissions (2):

3billion
Classification: Uncertain significance for Holoprosencephaly 7. Last evaluated: 2025-06-25. Review status: criteria provided, single submitter. Criteria: ACMG Guidelines, 2015. Collection method: clinical testing. Allele origin: germline. Affected: yes.
Comment: The variant is observed at an extremely low frequency in the gnomAD v4.1.0 dataset (total allele frequency: <0.001%). Predicted Consequence/Location: Missense variant. The majority of the known disease-causing variants of this gene are variants expected to result in premature termination of the protein. In silico tool predictions suggest damaging effect of the variant on gene or gene product [REVEL: 0.73 (>=0.6, sensitivity 0.68 and specificity 0.92)]. The variant has been reported as of uncertain significance (ClinVar ID: VCV003784582, VCV002575772). Therefore, this variant is classified as VUS according to the recommendation of ACMG/AMP guideline.

Ambry Genetics
Classification: Uncertain significance for Hereditary cancer-predisposing syndrome. Last evaluated: 2025-02-13. Review status: criteria provided, single submitter. Criteria: Ambry Variant Classification Scheme 2023. Collection method: clinical testing. Allele origin: germline.
Comment: The p.F1040L variant (also known as c.3120C>G), located in coding exon 18 of the PTCH1 gene, results from a C to G substitution at nucleotide position 3120. The phenylalanine at codon 1040 is replaced by leucine, an amino acid with highly similar properties. This amino acid position is conserved. In addition, this alteration is predicted to be deleterious by in silico analysis. Based on the available evidence, the clinical significance of this variant remains unclear.

NM_000264.5(PTCH1):c.3120C>G (p.Phe1040Leu)

Gene: PTCH1 (patched 1; minus strand). Cytogenetic location: 9q22.32.
Variant type: single nucleotide variant.
Coding change: c.3120C>G on transcript NM_000264.5 (MANE Select); coding-DNA position 3120, C replaced by G.
Protein change: p.Phe1040Leu; replaces phenylalanine 1040 with leucine.
Molecular consequence: missense variant. On other transcripts: non-coding transcript variant (1).
Genome position (GRCh38, 1-based): chr9:95,458,061, G>C on the plus strand (C>G on the coding strand, the complement: PTCH1 is on the minus strand). VCF-style: chr9-95458061-G-C. GRCh37 (hg19) VCF-style: chr9-98220343-G-C.
Other names: c.2922C>G, p.Phe974Leu (NM_001083602.3); c.3117C>G, p.Phe1039Leu (NM_001083603.3); c.2667C>G, p.Phe889Leu (NM_001083604.3, NM_001083605.3, NM_001083606.3 and 1 more transcripts); c.2964C>G, p.Phe988Leu (NM_001354918.2); short protein forms F1040L, F889L, F974L, F1039L, F988L.
Identifiers: ClinVar variation 3784582 (VCV003784582.2).